The following is an entry in ClinVar:

NM_015512.5(DNAH1):c.447G>A (p.Met149Ile)

Gene: DNAH1 (dynein axonemal heavy chain 1; plus strand). Cytogenetic location: 3p21.1.
Variant type: single nucleotide variant.
Coding change: c.447G>A on transcript NM_015512.5 (MANE Select); coding-DNA position 447, G replaced by A.
Protein change: p.Met149Ile; replaces methionine 149 with isoleucine.
Molecular consequence: missense variant.
Genome position (GRCh38, 1-based): chr3:52,326,180, G>A. VCF-style: chr3-52326180-G-A. GRCh37 (hg19) VCF-style: chr3-52360196-G-A.
Other names: short protein forms M149I.
Identifiers: ClinVar variation 1714350 (VCV001714350.6), dbSNP rs2471130799, ClinGen allele CA353087026.

ClinVar aggregate classification (germline): Uncertain significance (1 of 4 stars; one submission).

Conditions:
Spermatogenic failure 18. Identifiers: MedGen C4539783, MONDO:0054615, OMIM 617576.
Ciliary dyskinesia, primary, 37 (CILD37). Also called: CILIARY DYSKINESIA, PRIMARY, 37, WITH OR WITHOUT SITUS INVERSUS. Identifiers: MedGen C4539798, MONDO:0033204, OMIM 617577.

Submission:

Labcorp Genetics (formerly Invitae), Labcorp
Classification: Uncertain significance for Ciliary dyskinesia, primary, 37; Spermatogenic failure 18. Last evaluated: 2022-07-30. Review status: criteria provided, single submitter. Criteria: Invitae Variant Classification Sherloc (09022015). Collection method: clinical testing. Allele origin: germline.
Comment: This sequence change replaces methionine, which is neutral and non-polar, with isoleucine, which is neutral and non-polar, at codon 149 of the DNAH1 protein (p.Met149Ile). This variant is not present in population databases (gnomAD no frequency). This variant has not been reported in the literature in individuals affected with DNAH1-related conditions. Algorithms developed to predict the effect of missense changes on protein structure and function output the following: SIFT: "Tolerated"; PolyPhen-2: "Benign"; Align-GVGD: "Class C0". The isoleucine amino acid residue is found in multiple mammalian species, which suggests that this missense change does not adversely affect protein function. In summary, the available evidence is currently insufficient to determine the role of this variant in disease. Therefore, it has been classified as a Variant of Uncertain Significance.